The following is an entry in ClinVar:

NC_000017.10:g.(?_6328760)_(6616672_?)del

Genes: TXNDC17 (thioredoxin domain containing 17; plus strand), AIPL1 (AIP like 1 HSP90 co-chaperone; minus strand), KIAA0753 (KIAA0753; minus strand), PIMREG (PICALM interacting mitotic regulator; plus strand), PITPNM3 (PITPNM family member 3; minus strand) and 3 more. Cytogenetic location: 17p13.2-13.1.
Variant type: Deletion.
Identifiers: ClinVar variation 583807 (VCV000583807.5).

ClinVar aggregate classification (germline): Pathogenic. Review status: criteria provided, single submitter (1 of 4 stars). 2 submissions from 1 submitter: Pathogenic (2). Last evaluated 2022-03-19.

Conditions:
Developmental and epileptic encephalopathy, 25 (DEE25). Also called: Epileptic encephalopathy, early infantile, 25; Developmental and epileptic encephalopathy 25, with amelogenesis imperfecta; Epileptic encephalopathy, early infantile, 25, with amelogenesis imperfecta. Identifiers: Orphanet 442835, MedGen C4014621, MONDO:0014392, OMIM 615905.
Leber congenital amaurosis 4 (LCA4). Identifiers: MedGen C1858386, MONDO:0011458, OMIM 604393.

Submissions (2):

Labcorp Genetics (formerly Invitae), Labcorp
Classification: Pathogenic for Leber congenital amaurosis 4. Last evaluated: 2022-03-19. Review status: criteria provided, single submitter. Criteria: Invitae Variant Classification Sherloc (09022015). Collection method: clinical testing. Allele origin: germline.
Comment: For these reasons, this variant has been classified as Pathogenic. This variant has not been reported in the literature in individuals affected with AIPL1-related conditions. A gross deletion of the genomic region encompassing the full coding sequence of the AIPL1 gene has been identified. Loss-of-function variants in AIPL1 are known to be pathogenic (PMID: 10615133, 15249368, 15347646). The boundaries of this event are unknown as they extend beyond the assayed region for this gene and therefore may encompass additional genes.

Labcorp Genetics (formerly Invitae), Labcorp
Classification: Pathogenic for Epileptic encephalopathy, early infantile, 25. Last evaluated: 2018-12-11. Review status: criteria provided, single submitter. Criteria: Invitae Variant Classification Sherloc (09022015). Collection method: clinical testing. Allele origin: germline.
Comment: A gross deletion of the genomic region encompassing the full coding sequence of the SLC13A5 gene has been identified. The boundaries of this event are unknown as the deletion extends beyond the assayed region for this gene and therefore may encompass additional genes. This variant has not been reported in the literature in individuals with SLC13A5-related disease. Loss-of-function variants in SLC13A5 are known to be pathogenic (PMID: 24995870, 26384929). For these reasons, this variant has been classified as Pathogenic.

Literature cited by the submitters: PubMed 10615133; PubMed 15249368; PubMed 15347646.